The following is an entry in ClinVar:

ClinVar aggregate classification (germline): Pathogenic (1 of 4 stars; one submission).

Conditions:
Peroxisome biogenesis disorder. Identifiers: Orphanet 79189, MedGen C1832200, MONDO:0019234. Disease mechanism: loss of function.

Submission:

Myriad Genetics, Inc.
Classification: Pathogenic for Peroxisome biogenesis disorder. Last evaluated: 2024-08-26. Review status: criteria provided, single submitter. Criteria: Myriad Autosomal Dominant, Autosomal Recessive and X-Linked Classification Criteria (2023). Collection method: clinical testing. Allele origin: unknown.
Comment: NM_000287.3(PEX6):c.2040_2044del5(Q681Tfs*24) is expected to be pathogenic in the context of peroxisome biogenesis disorder type 4. This variant is predicted to lead to an abnormal or absent protein product due to the creation of a premature termination codon in PEX6, a gene where loss-of-function variants are known to be pathogenic. Please note: this variant was assessed in the context of healthy population screening.

NM_000287.4(PEX6):c.2040_2044del (p.Gln681fs)

Gene: PEX6 (peroxisomal biogenesis factor 6; minus strand). Cytogenetic location: 6p21.1.
Variant type: Deletion.
Coding change: c.2040_2044del on transcript NM_000287.4 (MANE Select); coding-DNA positions 2040 to 2044, 5 bases deleted (GCAGG; older notation c.2040_2044delGCAGG).
Protein change: p.Gln681fs; shifts the reading frame from glutamine 681.
Molecular consequence: frameshift variant. On other transcripts: non-coding transcript variant (1).
Genome position (GRCh38, 1-based): chr6:42,966,575-42,966,579, CCTGC deleted on the plus strand (GCAGG on the coding strand, the reverse complement: PEX6 is on the minus strand); deleting any 5 consecutive bases within chr6:42,966,575-42,966,581 gives the same sequence; the c. name uses the placement nearest the transcript's 3' end. VCF-style (leftmost placement, unchanged base first): chr6-42966574-GCCTGC-G. GRCh37 (hg19) VCF-style: chr6-42934312-GCCTGC-G.
Other names: c.1776_1780del, p.Gln593fs (NM_001316313.2); short protein forms Q593fs, Q681fs.
Identifiers: ClinVar variation 5013493 (VCV005013493.1).